The following is an entry in ClinVar:

NM_022089.4(ATP13A2):c.3001G>A (p.Val1001Met)

Gene: ATP13A2 (ATPase cation transporting 13A2; minus strand). Cytogenetic location: 1p36.13.
Variant type: single nucleotide variant.
Coding change: c.3001G>A on transcript NM_022089.4 (MANE Select); coding-DNA position 3001, G replaced by A.
Protein change: p.Val1001Met; replaces valine 1001 with methionine.
Molecular consequence: missense variant.
Genome position (GRCh38, 1-based): chr1:16,987,128, C>T on the plus strand (G>A on the coding strand, the complement: ATP13A2 is on the minus strand). VCF-style: chr1-16987128-C-T. GRCh37 (hg19) VCF-style: chr1-17313623-C-T.
Other names: c.2986G>A, p.Val996Met (NM_001141973.3); c.2869G>A, p.Val957Met (NM_001141974.3); short protein forms V1001M, V996M, V957M.
Identifiers: ClinVar variation 1508283 (VCV001508283.6), dbSNP rs749677780, ClinGen allele CA636643.

ClinVar aggregate classification (germline): Uncertain significance (1 of 4 stars; one submission).

Conditions:
Autosomal recessive spastic paraplegia type 78. Identifiers: Orphanet 513436, MedGen C5567893, MONDO:0014975, OMIM 617225.
Kufor-Rakeb syndrome (KRS). Also called: PARKINSON DISEASE 9, AUTOSOMAL RECESSIVE, JUVENILE-ONSET. Identifiers: Orphanet 306674, Orphanet 314632, MedGen C1847640, MONDO:0011706, OMIM 606693.

Allele frequency attached by ClinVar (database versions not stated): TOPMed below 0.00001; ExAC 0.00001; gnomAD exomes 0.00001 and 0.00002.
gnomAD v4.1: 15 of 1,613,092 alleles (0.00093%); highest among the groups gnomAD compares: Admixed American, 0.0033%; no homozygotes.

Submission:

Labcorp Genetics (formerly Invitae), Labcorp
Classification: Uncertain significance for Kufor-Rakeb syndrome; Autosomal recessive spastic paraplegia type 78. Last evaluated: 2021-06-13. Review status: criteria provided, single submitter. Criteria: Invitae Variant Classification Sherloc (09022015). Collection method: clinical testing. Allele origin: germline.
Comment: In summary, the available evidence is currently insufficient to determine the role of this variant in disease. Therefore, it has been classified as a Variant of Uncertain Significance. Advanced modeling of protein sequence and biophysical properties (such as structural, functional, and spatial information, amino acid conservation, physicochemical variation, residue mobility, and thermodynamic stability) performed at Invitae indicates that this missense variant is not expected to disrupt ATP13A2 protein function. This variant has not been reported in the literature in individuals with ATP13A2-related conditions. This variant is present in population databases (rs749677780, ExAC 0.002%). This sequence change replaces valine with methionine at codon 1001 of the ATP13A2 protein (p.Val1001Met). The valine residue is moderately conserved and there is a small physicochemical difference between valine and methionine.